The following is an entry in ClinVar:

NM_015021.3(ZNF292):c.6813G>A (p.Ser2271=)

Gene: ZNF292 (zinc finger protein 292; plus strand). Cytogenetic location: 6q14.3.
Variant type: single nucleotide variant.
Coding change: c.6813G>A on transcript NM_015021.3 (MANE Select); coding-DNA position 6813, G replaced by A.
Protein change: p.Ser2271=; no amino-acid change (serine 2271 retained).
Molecular consequence: synonymous variant.
Genome position (GRCh38, 1-based): chr6:87,260,442, G>A. VCF-style: chr6-87260442-G-A. GRCh37 (hg19) VCF-style: chr6-87970160-G-A.
Other names: c.6393G>A, p.Ser2131= (NM_001351444.2).
Identifiers: ClinVar variation 4534337 (VCV004534337.6).

ClinVar aggregate classification (germline): Likely benign (1 of 4 stars; one submission).

gnomAD v4.1: 209 of 1,613,572 alleles (0.013%); highest among the groups gnomAD compares: South Asian, 0.17%; 4 homozygotes.

Submission:

CeGaT Center for Human Genetics Tuebingen
Classification: Likely benign. Last evaluated: 2025-11-01. Review status: criteria provided, single submitter. Criteria: CeGaT Center For Human Genetics Tuebingen Variant Classification Criteria Version 2. Collection method: clinical testing. Allele origin: germline. Affected: yes. Observed: 1 variant allele.
Comment: ZNF292: BP4, BP7